The following is an entry in ClinVar:

NM_002439.5(MSH3):c.1141A>C (p.Lys381Gln)

Gene: MSH3 (mutS homolog 3; plus strand). Cytogenetic location: 5q14.1.
Variant type: single nucleotide variant.
Coding change: c.1141A>C on transcript NM_002439.5 (MANE Select); coding-DNA position 1141, A replaced by C.
Protein change: p.Lys381Gln; replaces lysine 381 with glutamine.
Molecular consequence: missense variant.
Genome position (GRCh38, 1-based): chr5:80,675,096, A>C. VCF-style: chr5-80675096-A-C. GRCh37 (hg19) VCF-style: chr5-79970915-A-C.
Other names: short protein forms K381Q.
Identifiers: ClinVar variation 839496 (VCV000839496.11), dbSNP rs761005861, ClinGen allele CA3327804.

ClinVar aggregate classification (germline): Uncertain significance. Review status: criteria provided, multiple submitters, no conflicts (2 of 4 stars). 3 submissions from 3 submitters: Uncertain significance (2). 1 of the submissions does not count toward it. Last evaluated 2025-11-25.

Conditions:
MSH3-related disorder. Also called: MSH3-related condition.
Hereditary cancer-predisposing syndrome. Also called: Neoplastic Syndromes, Hereditary; Tumor predisposition; Hereditary neoplastic syndrome; Hereditary Cancer Syndrome. Identifiers: Orphanet 140162, MedGen C0027672, MeSH D009386, MONDO:0015356.

Allele frequency attached by ClinVar (database versions not stated): gnomAD exomes below 0.00001 and 0.00001; ExAC 0.00001.
gnomAD v4.1: 18 of 1,610,704 alleles (0.0011%); highest among the groups gnomAD compares: Admixed American, 0.0017%; no homozygotes.

Submissions (3):

Labcorp Genetics (formerly Invitae), Labcorp
Classification: Uncertain significance. Last evaluated: 2025-11-25. Review status: criteria provided, single submitter. Criteria: Invitae Variant Classification Sherloc (09022015). Collection method: clinical testing. Allele origin: germline.
Comment: This sequence change replaces lysine, which is basic and polar, with glutamine, which is neutral and polar, at codon 381 of the MSH3 protein (p.Lys381Gln). This variant is present in population databases (rs761005861, gnomAD 0.0009%). This variant has not been reported in the literature in individuals affected with MSH3-related conditions. ClinVar contains an entry for this variant (Variation ID: 839496). An algorithm developed to predict the effect of missense changes on protein structure and function (PolyPhen-2) suggests that this variant is likely to be disruptive. In summary, the available evidence is currently insufficient to determine the role of this variant in disease. Therefore, it has been classified as a Variant of Uncertain Significance.

Ambry Genetics
Classification: Uncertain significance for Hereditary cancer-predisposing syndrome. Last evaluated: 2024-01-01. Review status: criteria provided, single submitter. Criteria: Ambry Variant Classification Scheme 2023. Collection method: clinical testing. Allele origin: germline.
Comment: The p.K381Q variant (also known as c.1141A>C), located in coding exon 7 of the MSH3 gene, results from an A to C substitution at nucleotide position 1141. The lysine at codon 381 is replaced by glutamine, an amino acid with similar properties. This amino acid position is not well conserved in available vertebrate species. In addition, this alteration is predicted to be tolerated by in silico analysis. Since supporting evidence is limited at this time, the clinical significance of this alteration remains unclear.

PreventionGenetics, part of Exact Sciences
Classification: Uncertain significance for MSH3-related condition. Last evaluated: 2024-03-29. Review status: no assertion criteria provided. Collection method: clinical testing. Allele origin: germline. Not counted in ClinVar's aggregate classification.
Comment: The MSH3 c.1141A>C variant is predicted to result in the amino acid substitution p.Lys381Gln. To our knowledge, this variant has not been reported in the literature. This variant is reported in 0.00088% of alleles in individuals of European (Non-Finnish) descent in gnomAD. In ClinVar, this variant is interpreted as uncertain. At this time, the clinical significance of this variant is uncertain due to the absence of conclusive functional and genetic evidence.